The following is an entry in ClinVar:

NM_000252.3(MTM1):c.911C>T (p.Ala304Val)

Gene: MTM1 (myotubularin 1; plus strand). Cytogenetic location: Xq28.
Variant type: single nucleotide variant.
Coding change: c.911C>T on transcript NM_000252.3 (MANE Select); coding-DNA position 911, C replaced by T.
Protein change: p.Ala304Val; replaces alanine 304 with valine.
Molecular consequence: missense variant.
Genome position (GRCh38, 1-based): chrX:150,649,759, C>T. VCF-style: chrX-150649759-C-T. GRCh37 (hg19) VCF-style: chrX-149818232-C-T.
Other names: c.911C>T, p.Ala304Val (NM_001376906.1, NM_001376908.1); c.800C>T, p.Ala267Val (NM_001376907.1); short protein forms A267V, A304V.
Identifiers: ClinVar variation 950427 (VCV000950427.11), dbSNP rs781871854, ClinGen allele CA10539184.

ClinVar aggregate classification (germline): Uncertain significance. Review status: criteria provided, multiple submitters, no conflicts (2 of 4 stars). 2 submissions from 2 submitters: Uncertain significance (2). Last evaluated 2024-03-04.

Conditions:
Severe X-linked myotubular myopathy (CNMX). Also called: MYOTUBULAR MYOPATHY 1; X-linked centronuclear myopathy; Myotubular myopathy, X-linked. Identifiers: Orphanet 596, MedGen C0410203, MONDO:0010683, OMIM 310400.

Allele frequency attached by ClinVar (database versions not stated): ExAC 0.00001; gnomAD exomes 0.00001.

Submissions (2):

Labcorp Genetics (formerly Invitae), Labcorp
Classification: Uncertain significance for Severe X-linked myotubular myopathy. Last evaluated: 2024-03-04. Review status: criteria provided, single submitter. Criteria: Invitae Variant Classification Sherloc (09022015). Collection method: clinical testing. Allele origin: germline.
Comment: This sequence change replaces alanine, which is neutral and non-polar, with valine, which is neutral and non-polar, at codon 304 of the MTM1 protein (p.Ala304Val). This variant is present in population databases (rs781871854, gnomAD 0.001%). This variant has not been reported in the literature in individuals affected with MTM1-related conditions. ClinVar contains an entry for this variant (Variation ID: 950427). Advanced modeling of protein sequence and biophysical properties (such as structural, functional, and spatial information, amino acid conservation, physicochemical variation, residue mobility, and thermodynamic stability) performed at Invitae indicates that this missense variant is not expected to disrupt MTM1 protein function with a negative predictive value of 80%. In summary, the available evidence is currently insufficient to determine the role of this variant in disease. Therefore, it has been classified as a Variant of Uncertain Significance.

Blueprint Genetics
Classification: Uncertain significance. Last evaluated: 2022-11-14. Review status: criteria provided, single submitter. Criteria: ACMG Guidelines, 2015. Collection method: clinical testing. Allele origin: germline.